The following is an entry in ClinVar:

ClinVar aggregate classification (germline): Uncertain significance (1 of 4 stars; one submission).

Conditions:
Autosomal recessive limb-girdle muscular dystrophy type 2Q (LGMDR17). Also called: MUSCULAR DYSTROPHY, LIMB-GIRDLE, AUTOSOMAL RECESSIVE 17. Identifiers: Orphanet 254361, MedGen C3150989, MONDO:0013390, OMIM 613723.
Epidermolysis bullosa simplex 5B, with muscular dystrophy (EBS5B). Also called: EPIDERMOLYSIS BULLOSA SIMPLEX AND LIMB-GIRDLE MUSCULAR DYSTROPHY; Epidermolysis bullosa simplex with muscular dystrophy. Identifiers: Orphanet 257, MedGen C2931072, MONDO:0009181, OMIM 226670.
Epidermolysis bullosa simplex, Ogna type (EBS5A). Also called: Pidermolysis bullosa simplex 5A, Ogna type; EPIDERMOLYSIS BULLOSA SIMPLEX 5A, OGNA TYPE. Identifiers: Orphanet 79401, MedGen C0432317, MONDO:0007555, OMIM 131950.
Epidermolysis bullosa simplex with nail dystrophy (EBS5D). Identifiers: MedGen C4225309, MONDO:0014661, OMIM 616487.
Epidermolysis bullosa simplex 5C, with pyloric atresia (EBS5C). Also called: Epidermolysis bullosa simplex with pyloric atresia; PLEC1-Related Epidermolysis Bullosa with Pyloric Atresia; PLEC-Related Epidermolysis Bullosa with Pyloric Atresia. Identifiers: Orphanet 158684, MedGen C2677349, MONDO:0012807, OMIM 612138.

Allele frequency attached by ClinVar (database versions not stated): gnomAD exomes 0.00001.
gnomAD v4.1: 1 of 1,545,232 alleles (0.000065%); highest among the groups gnomAD compares: Admixed American, 0.0019%; no homozygotes.

Submission:

Labcorp Genetics (formerly Invitae), Labcorp
Classification: Uncertain significance for Autosomal recessive limb-girdle muscular dystrophy type 2Q; Epidermolysis bullosa simplex, Ogna type; Epidermolysis bullosa simplex with nail dystrophy; Epidermolysis bullosa simplex 5C, with pyloric atresia; Epidermolysis bullosa simplex 5B, with muscular dystrophy. Last evaluated: 2022-08-07. Review status: criteria provided, single submitter. Criteria: Invitae Variant Classification Sherloc (09022015). Collection method: clinical testing. Allele origin: germline.
Comment: In summary, the available evidence is currently insufficient to determine the role of this variant in disease. Therefore, it has been classified as a Variant of Uncertain Significance. Algorithms developed to predict the effect of missense changes on protein structure and function output the following: SIFT: "Tolerated"; PolyPhen-2: "Benign"; Align-GVGD: "Class C0". The asparagine amino acid residue is found in multiple mammalian species, which suggests that this missense change does not adversely affect protein function. ClinVar contains an entry for this variant (Variation ID: 1476532). This variant has not been reported in the literature in individuals affected with PLEC-related conditions. This variant is present in population databases (no rsID available, gnomAD 0.004%). This sequence change replaces serine, which is neutral and polar, with asparagine, which is neutral and polar, at codon 2101 of the PLEC protein (p.Ser2101Asn).

NM_201384.3(PLEC):c.6221G>A (p.Ser2074Asn)

Gene: PLEC (plectin; minus strand). Cytogenetic location: 8q24.3.
Variant type: single nucleotide variant.
Coding change: c.6221G>A on transcript NM_201384.3 (MANE Select); coding-DNA position 6221, G replaced by A.
Protein change: p.Ser2074Asn; replaces serine 2074 with asparagine.
Molecular consequence: missense variant.
Genome position (GRCh38, 1-based): chr8:143,923,708, C>T on the plus strand (G>A on the coding strand, the complement: PLEC is on the minus strand). VCF-style: chr8-143923708-C-T. GRCh37 (hg19) VCF-style: chr8-144997876-C-T.
Other names: c.6155G>A, p.Ser2052Asn (NM_201379.3); c.6632G>A, p.Ser2211Asn (NM_201380.4); c.6125G>A, p.Ser2042Asn (NM_201381.3); c.6221G>A, p.Ser2074Asn (NM_201382.4); c.6233G>A, p.Ser2078Asn (NM_201383.3); c.6302G>A, p.Ser2101Asn (NM_000445.5); c.6179G>A, p.Ser2060Asn (NM_201378.4); short protein forms S2078N, S2052N, S2060N, S2074N, S2211N, S2042N, S2101N.
Identifiers: ClinVar variation 1476532 (VCV001476532.6), dbSNP rs1554693843, ClinGen allele CA372537875.